The following is an entry in ClinVar:

ClinVar aggregate classification (germline): Pathogenic (1 of 4 stars; one submission).

Conditions:
Finnish congenital nephrotic syndrome (NPHS1). Also called: NEPHROTIC SYNDROME, TYPE 1. Identifiers: Orphanet 839, MedGen C0403399, MONDO:0009732, OMIM 256300.

Submission:

Myriad Genetics, Inc.
Classification: Pathogenic for Finnish congenital nephrotic syndrome. Last evaluated: 2026-07-28. Review status: criteria provided, single submitter. Criteria: Myriad Autosomal Dominant, Autosomal Recessive and X-Linked Classification Criteria (2023). Collection method: clinical testing. Allele origin: unknown.
Comment: NM_004646.3(NPHS1):c.2153_2156dupAGCT(H720Afs*7) is expected to be pathogenic in the context of nephrotic syndrome, NPHS1-related. This variant is predicted to lead to an abnormal or absent protein product due to the creation of a premature termination codon in NPHS1, a gene where loss-of-function variants are known to be pathogenic. Please note: this variant was assessed in the context of healthy population screening.

NM_004646.4(NPHS1):c.2153_2156dup (p.His720fs)

Gene: NPHS1 (NPHS1 adhesion molecule, nephrin; minus strand). Cytogenetic location: 19q13.12.
Variant type: Duplication.
Coding change: c.2153_2156dup on transcript NM_004646.4 (MANE Select); coding-DNA positions 2153 to 2156, 4 bases duplicated (AGCT; older notation c.2153_2156dupAGCT).
Protein change: p.His720fs; shifts the reading frame from histidine 720.
Molecular consequence: frameshift variant.
Genome position (GRCh38, 1-based): chr19:35,844,159-35,844,162, AGCT duplicated on the plus strand (AGCT on the coding strand, the reverse complement: NPHS1 is on the minus strand). VCF-style (leftmost placement, unchanged base first): chr19-35844158-C-CAGCT. GRCh37 (hg19) VCF-style: chr19-36335060-C-CAGCT.
Other names: short protein forms H720fs.
Identifiers: ClinVar variation 5016173 (VCV005016173.1).